The following is an entry in ClinVar:

NM_000702.4(ATP1A2):c.381T>C (p.Asn127=)

Gene: ATP1A2 (ATPase Na+/K+ transporting subunit alpha 2; plus strand). Cytogenetic location: 1q23.2.
Variant type: single nucleotide variant.
Coding change: c.381T>C on transcript NM_000702.4 (MANE Select); coding-DNA position 381, T replaced by C.
Protein change: p.Asn127=; no amino-acid change (asparagine 127 retained).
Molecular consequence: synonymous variant.
Genome position (GRCh38, 1-based): chr1:160,123,416, T>C. VCF-style: chr1-160123416-T-C. GRCh37 (hg19) VCF-style: chr1-160093206-T-C.
Identifiers: ClinVar variation 529752 (VCV000529752.12), dbSNP rs139243866, ClinGen allele CA1194162.
Genomic context (GRCh38, chr1:160,123,416, plus strand): 5'-CCTCTGCTTCCTGGCCTACGGCATCCAGGCTGCCATGGAGGATGAACCATCCAACGACAA[T>C]GTGAGCCCACACGCCCGACCCGGGAACAGCCCGTGACTGTCCTCCAACCCTGAACCCCCA-3'
Protein context (NP_000693.1, residues 117-137): AAMEDEPSND[Asn127=]LYLGVVLAAV

ClinVar aggregate classification (germline): Conflicting classifications of pathogenicity. Review status: criteria provided, conflicting classifications (1 of 4 stars). 2 submissions from 2 submitters: Uncertain significance (1); Likely benign (1). Last evaluated 2025-12-28.

Conditions:
Familial hemiplegic migraine. Identifiers: MedGen C0338484, MONDO:0000700.

Allele frequency attached by ClinVar (database versions not stated): gnomAD exomes 0.00001; ExAC 0.00002; gnomAD 0.00007; TOPMed 0.00008; ESP Exome Variant Server 0.00015; 1000 Genomes Project 30x 0.00016.
gnomAD v4.1: 28 of 1,614,104 alleles (0.0017%); highest among the groups gnomAD compares: Admixed American, 0.0083%; no homozygotes.

Submissions (2):

Labcorp Genetics (formerly Invitae), Labcorp
Classification: Uncertain significance for Familial hemiplegic migraine. Last evaluated: 2025-12-28. Review status: criteria provided, single submitter. Criteria: Invitae Variant Classification Sherloc (09022015). Collection method: clinical testing. Allele origin: germline.
Comment: This sequence change affects codon 127 of the ATP1A2 mRNA. It is a 'silent' change, meaning that it does not change the encoded amino acid sequence of the ATP1A2 protein. It affects a nucleotide within the consensus splice site. This variant is present in population databases (rs139243866, gnomAD 0.01%). This variant has not been reported in the literature in individuals affected with ATP1A2-related conditions. ClinVar contains an entry for this variant (Variation ID: 529752). Algorithms developed to predict the effect of sequence changes on RNA splicing suggest that this variant is not likely to affect RNA splicing. In summary, the available evidence is currently insufficient to determine the role of this variant in disease. Therefore, it has been classified as a Variant of Uncertain Significance.

GeneDx
Classification: Likely benign. Last evaluated: 2020-04-13. Review status: criteria provided, single submitter. Criteria: GeneDx Variant Classification Process June 2021. Collection method: clinical testing. Allele origin: germline. Affected: yes.